The following is an entry in ClinVar:

ClinVar aggregate classification (germline): Likely benign. Review status: criteria provided, single submitter (1 of 4 stars). 2 submissions from 2 submitters: Likely benign (1). 1 of the submissions does not count toward it. Last evaluated 2025-02-10.

Conditions:
Combined immunodeficiency due to MALT1 deficiency. Also called: Immunodeficiency 12. Identifiers: Orphanet 397964, MedGen C3809583, MONDO:0014197, OMIM 615468.
MALT1-related disorder. Also called: MALT1-related condition.

Allele frequency attached by ClinVar (database versions not stated): gnomAD 0.00001; TOPMed 0.00003.
gnomAD v4.1: 15 of 1,249,568 alleles (0.0012%); highest among the groups gnomAD compares: Middle Eastern, 0.093%; no homozygotes.

Submissions (2):

Labcorp Genetics (formerly Invitae), Labcorp
Classification: Likely benign for Combined immunodeficiency due to MALT1 deficiency. Last evaluated: 2025-02-10. Review status: criteria provided, single submitter. Criteria: Invitae Variant Classification Sherloc (09022015). Collection method: clinical testing. Allele origin: germline.

PreventionGenetics, part of Exact Sciences
Classification: Likely benign for MALT1-related condition. Last evaluated: 2023-12-13. Review status: no assertion criteria provided. Collection method: clinical testing. Allele origin: germline. Not counted in ClinVar's aggregate classification.
Comment: This variant is classified as likely benign based on ACMG/AMP sequence variant interpretation guidelines (Richards et al. 2015 PMID: 25741868, with internal and published modifications).

NM_006785.4(MALT1):c.42G>A (p.Ser14=)

Genes: MALT1 (MALT1 paracaspase; plus strand), MALT1-AS1 (MALT1 antisense RNA 1; minus strand), LOC130062586 (ATAC-STARR-seq lymphoblastoid silent region 9487; plus strand). Cytogenetic location: 18q21.32.
Variant type: single nucleotide variant.
Coding change: c.42G>A on transcript NM_006785.4 (MANE Select); coding-DNA position 42, G replaced by A.
Protein change: p.Ser14=; no amino-acid change (serine 14 retained).
Molecular consequence: synonymous variant. On other transcripts: non-coding transcript variant (1).
Genome position (GRCh38, 1-based): chr18:58,671,685, G>A. VCF-style: chr18-58671685-G-A. GRCh37 (hg19) VCF-style: chr18-56338917-G-A.
Other names: c.42G>A (NM_006785.3); c.42G>A, p.Ser14= (NM_173844.3).
Identifiers: ClinVar variation 1005757 (VCV001005757.9), dbSNP rs1036222536, ClinGen allele CA300934662.